The following is an entry in ClinVar:

NM_025114.4(CEP290):c.5104_5105del (p.Gln1702fs)

Gene: CEP290 (centrosomal protein 290; minus strand). Cytogenetic location: 12q21.32.
Variant type: Microsatellite.
Coding change: c.5104_5105del on transcript NM_025114.4 (MANE Select); coding-DNA positions 5104 to 5105, 2 bases deleted (CA; older notation c.5104_5105delCA).
Protein change: p.Gln1702fs; shifts the reading frame from glutamine 1702.
Molecular consequence: frameshift variant.
Genome position (GRCh38, 1-based): chr12:88,080,303-88,080,304, TG deleted on the plus strand (CA on the coding strand, the reverse complement: CEP290 is on the minus strand); deleting any 2 consecutive bases within chr12:88,080,303-88,080,306 gives the same sequence; the c. name uses the placement nearest the transcript's 3' end. VCF-style (leftmost placement, unchanged base first): chr12-88080302-CTG-C. GRCh37 (hg19) VCF-style: chr12-88474079-CTG-C.
Other names: c.5104_5105delCA (NM_025114.3); short protein forms Q1702fs.
Identifiers: ClinVar variation 968914 (VCV000968914.12), dbSNP rs766259648, ClinGen allele CA6711793.

ClinVar aggregate classification (germline): Pathogenic/Likely pathogenic. Review status: criteria provided, multiple submitters, no conflicts (2 of 4 stars). 5 submissions from 5 submitters: Pathogenic (3); Likely pathogenic (2). Last evaluated 2025-07-24.

Conditions:
CEP290-related ciliopathy. Also called: CEP290 ciliopathy. Identifiers: MedGen CN305601, MONDO:0100451.
Leber congenital amaurosis (LCA). Also called: Leber's amaurosis. Identifiers: Orphanet 65, MedGen C0339527, MeSH D057130, MONDO:0018998.
Meckel-Gruber syndrome. Also called: Dysencephalia splachnocystica; DYSENCEPHALIA SPLANCHNOCYSTICA; GRUBER SYNDROME. Identifiers: Orphanet 564, MedGen C0265215, MONDO:0018921.
Nephronophthisis. Also called: Juvenile Nephronophthisis. Identifiers: Orphanet 655, MedGen C0687120, MONDO:0019005, HP:0000090.
Joubert syndrome. Also called: JOUBERT-BOLTSHAUSER SYNDROME; Familial aplasia of the vermis. Identifiers: Orphanet 475, MedGen C5979921, MONDO:0018772.
Bardet-Biedl syndrome 14 (BBS14). Identifiers: Orphanet 110, MedGen C2673874, MONDO:0014442, OMIM 615991.

Submissions (5):

Labcorp Genetics (formerly Invitae), Labcorp
Classification: Pathogenic for Joubert syndrome; Meckel-Gruber syndrome; Nephronophthisis. Last evaluated: 2025-07-24. Review status: criteria provided, single submitter. Criteria: Invitae Variant Classification Sherloc (09022015). Collection method: clinical testing. Allele origin: germline.
Comment: This sequence change creates a premature translational stop signal (p.Gln1702Valfs*5) in the CEP290 gene. It is expected to result in an absent or disrupted protein product. Loss-of-function variants in CEP290 are known to be pathogenic (PMID: 16909394, 17345604, 20690115). The frequency data for this variant in the population databases is considered unreliable, as metrics indicate poor data quality at this position in the gnomAD database. This variant has not been reported in the literature in individuals affected with CEP290-related conditions. ClinVar contains an entry for this variant (Variation ID: 968914). For these reasons, this variant has been classified as Pathogenic.

Myriad Genetics, Inc.
Classification: Pathogenic for CEP290-related ciliopathy. Last evaluated: 2025-06-01. Review status: criteria provided, single submitter. Criteria: Myriad Autosomal Dominant, Autosomal Recessive and X-Linked Classification Criteria (2023). Collection method: clinical testing. Allele origin: unknown.
Comment: NM_025114.3(CEP290):c.5104_5105delCA(Q1702Vfs*5) is expected to be pathogenic in the context of CEP290-related disorders. This variant is predicted to lead to an abnormal or absent protein product due to the creation of a premature termination codon in CEP290, a gene where loss-of-function variants are known to be pathogenic. Please note: this variant was assessed in the context of healthy population screening.

Natera, Inc.
Classification: Likely pathogenic for Leber congenital amaurosis. Last evaluated: 2024-03-17. Review status: criteria provided, single submitter. Criteria: Natera Variant Classification Schema (03/2026). Collection method: clinical testing. Allele origin: germline.
Comment: The c.5104_5105delCA variant in CEP290 is a frameshift variant predicted to shift the reading frame beginning at codon 1702 and leads to a stop codon 5 codons downstream. This variant is expected to result in nonsense mediated decay, truncation, or a dysfunctional protein product. This variant is rare in the general population with a frequency below the threshold expected for the associated phenotype(s). Given the available evidence, this variant is classified as Likely Pathogenic.

Baylor Genetics
Classification: Likely pathogenic for Bardet-Biedl syndrome 14. Last evaluated: 2023-12-04. Review status: criteria provided, single submitter. Criteria: ACMG Guidelines, 2015. Collection method: clinical testing. Allele origin: unknown.

GeneDx
Classification: Pathogenic. Last evaluated: 2022-08-21. Review status: criteria provided, single submitter. Criteria: GeneDx Variant Classification Process June 2021. Collection method: clinical testing. Allele origin: germline. Affected: yes.
Comment: Frameshift variant predicted to result in protein truncation or nonsense mediated decay in a gene for which loss of function is a known mechanism of disease; Not observed at significant frequency in large population cohorts (gnomAD); Has not been previously published as pathogenic or benign to our knowledge; This variant is associated with the following publications: (PMID: 17345604, 28559085, 20690115, 16909394, 25377065)

Literature cited by the submitters: PubMed 16909394 (cited by Labcorp Genetics (formerly Invitae), Labcorp); PubMed 17345604 (cited by Labcorp Genetics (formerly Invitae), Labcorp); PubMed 20690115 (cited by Labcorp Genetics (formerly Invitae), Labcorp).